The following is an entry in ClinVar:

NM_003394.4(WNT10B):c.854T>C (p.Ile285Thr)

Gene: WNT10B (Wnt family member 10B; minus strand). Cytogenetic location: 12q13.12.
Variant type: single nucleotide variant.
Coding change: c.854T>C on transcript NM_003394.4 (MANE Select); coding-DNA position 854, T replaced by C.
Protein change: p.Ile285Thr; replaces isoleucine 285 with threonine.
Molecular consequence: missense variant.
Genome position (GRCh38, 1-based): chr12:48,966,411, A>G on the plus strand (T>C on the coding strand, the complement: WNT10B is on the minus strand). VCF-style: chr12-48966411-A-G. GRCh37 (hg19) VCF-style: chr12-49360194-A-G.
Other names: short protein forms I285T.
Identifiers: ClinVar variation 2069153 (VCV002069153.6), dbSNP rs146010731, ClinGen allele CA6544079.

ClinVar aggregate classification (germline): Conflicting classifications of pathogenicity. Review status: criteria provided, conflicting classifications (1 of 4 stars). 2 submissions from 2 submitters: Uncertain significance (1); Likely benign (1). Last evaluated 2026-09-08.

Allele frequency attached by ClinVar (database versions not stated): ESP Exome Variant Server 0.00031; 1000 Genomes Project 0.00040; 1000 Genomes Project 30x 0.00047; gnomAD 0.00051; TOPMed 0.00051; ExAC 0.00075.
gnomAD v4.1: 992 of 1,614,030 alleles (0.061%); highest among the groups gnomAD compares: Middle Eastern, 0.23%; 2 homozygotes.

Submissions (2):

GeneDx
Classification: Uncertain significance. Last evaluated: 2026-09-08. Review status: criteria provided, single submitter. Criteria: GeneDx Variant Classification Process June 2021. Collection method: clinical testing. Allele origin: germline.
Comment: In silico analysis supports that this missense variant has a deleterious effect on protein structure/function; Has not been previously published as pathogenic or benign to our knowledge

Labcorp Genetics (formerly Invitae), Labcorp
Classification: Likely benign. Last evaluated: 2025-11-28. Review status: criteria provided, single submitter. Criteria: Invitae Variant Classification Sherloc (09022015). Collection method: clinical testing. Allele origin: germline.